The following is an entry in ClinVar:

ClinVar aggregate classification (germline): Uncertain significance (1 of 4 stars; one submission).

Allele frequency attached by ClinVar (database versions not stated): TOPMed below 0.00001; gnomAD 0.00001.
gnomAD v4.1: 2 of 1,551,546 alleles (0.00013%); highest among the groups gnomAD compares: Non-Finnish European, 0.00017%; no homozygotes.

Submission:

Labcorp Genetics (formerly Invitae), Labcorp
Classification: Uncertain significance. Last evaluated: 2024-05-05. Review status: criteria provided, single submitter. Criteria: Invitae Variant Classification Sherloc (09022015). Collection method: clinical testing. Allele origin: germline.
Comment: This sequence change replaces serine, which is neutral and polar, with asparagine, which is neutral and polar, at codon 410 of the FOXI3 protein (p.Ser410Asn). This variant is present in population databases (no rsID available, gnomAD 0.007%). This variant has not been reported in the literature in individuals affected with FOXI3-related conditions. Experimental studies and prediction algorithms are not available or were not evaluated, and the functional significance of this variant is currently unknown. In summary, the available evidence is currently insufficient to determine the role of this variant in disease. Therefore, it has been classified as a Variant of Uncertain Significance.

NM_001135649.3(FOXI3):c.1229G>A (p.Ser410Asn)

Gene: FOXI3 (forkhead box I3; minus strand). Cytogenetic location: 2p11.2.
Variant type: single nucleotide variant.
Coding change: c.1229G>A on transcript NM_001135649.3 (MANE Select); coding-DNA position 1229, G replaced by A.
Protein change: p.Ser410Asn; replaces serine 410 with asparagine.
Molecular consequence: missense variant.
Genome position (GRCh38, 1-based): chr2:88,448,241, C>T on the plus strand (G>A on the coding strand, the complement: FOXI3 is on the minus strand). VCF-style: chr2-88448241-C-T. GRCh37 (hg19) VCF-style: chr2-88747760-C-T.
Other names: short protein forms S410N.
Identifiers: ClinVar variation 2828951 (VCV002828951.3), dbSNP rs1280766107, ClinGen allele CA347763930.